The following is an entry in ClinVar:

ClinVar aggregate classification (germline): Likely benign (0 of 4 stars; one submission).

Conditions:
IFRD1-related disorder. Also called: IFRD1-related condition.

Submission:

PreventionGenetics, part of Exact Sciences
Classification: Likely benign for IFRD1-related condition. Last evaluated: 2023-03-07. Review status: no assertion criteria provided. Collection method: clinical testing. Allele origin: germline.
Comment: This variant is classified as likely benign based on ACMG/AMP sequence variant interpretation guidelines (Richards et al. 2015 PMID: 25741868, with internal and published modifications).

NM_001550.4(IFRD1):c.568-3dup

Gene: IFRD1 (interferon related developmental regulator 1; plus strand). Cytogenetic location: 7q31.1.
Variant type: Duplication.
Coding change: c.568-3dup on transcript NM_001550.4 (MANE Select); 3 bases into the intron before coding-DNA position 568, one base duplicated (T; older notation c.568-3dupT).
Molecular consequence: intron variant.
Genome position (GRCh38, 1-based): chr7:112,461,863, T duplicated; the last of 11 consecutive T bases (chr7:112,461,853-112,461,863); duplicating any one gives the same sequence. VCF-style (leftmost placement, unchanged base first): chr7-112461852-A-AT. GRCh37 (hg19) VCF-style: chr7-112101907-A-AT.
Other names: c.568-3dup (NM_001007245.3); c.418-3dup (NM_001197080.2, NM_001197079.2).
Identifiers: ClinVar variation 3041772 (VCV003041772.2), dbSNP rs61603869, ClinGen allele CA4443642.
Genomic context (GRCh38, chr7:112,461,852, plus strand): 5'-ATAAAAGCAGGAAGATGTAGAATTAATAAGAAATAAAATCATTAATGTCTATATATATAT[A>AT]TTTTTTTTTTTAGTGTGCAACTTGCTTTGGTGTTTGCTGTTTTATTGCCACAGATGACAT-3'